The following is an entry in ClinVar:

NM_003418.5(CNBP):c.-14-853_-14-838del

Genes: CNBP (CCHC-type zinc finger nucleic acid binding protein; minus strand), LOC108644431 (myotonic dystrophy type 2 repeat instability region; plus strand). Cytogenetic location: 3q21.3.
Variant type: Deletion.
Coding change: c.-14-853_-14-838del on transcript NM_003418.5 (MANE Select); 853 bases into the intron before 14 bases upstream of the start codon through 838 bases into the intron before 14 bases upstream of the start codon, 16 bases deleted (GCTGCCTGTCTGCCTG).
Molecular consequence: intron variant.
Genome position (GRCh38, 1-based): chr3:129,172,609-129,172,624, CAGGCAGACAGGCAGC deleted on the plus strand (GCTGCCTGTCTGCCTG on the coding strand, the reverse complement: CNBP is on the minus strand); deleting any 16 consecutive bases within chr3:129,172,609-129,172,631 gives the same sequence; the c. name uses the placement nearest the transcript's 3' end. VCF-style (leftmost placement, unchanged base first): chr3-129172608-ACAGGCAGACAGGCAGC-A. GRCh37 (hg19) VCF-style: chr3-128891451-ACAGGCAGACAGGCAGC-A.
Other names: c.-14-853_-14-838del (NM_001127196.2, NM_001127195.2, NM_001127194.2 and 2 more transcripts).
Identifiers: ClinVar variation 3033016 (VCV003033016.2), dbSNP rs1198962230, ClinGen allele CA546195979.

ClinVar aggregate classification (germline): Likely benign (0 of 4 stars; one submission).

Conditions:
CNBP-related disorder. Also called: CNBP-related condition.

Submission:

PreventionGenetics, part of Exact Sciences
Classification: Likely benign for CNBP-related condition. Last evaluated: 2021-09-13. Review status: no assertion criteria provided. Collection method: clinical testing. Allele origin: germline.
Comment: This variant is classified as likely benign based on ACMG/AMP sequence variant interpretation guidelines (Richards et al. 2015 PMID: 25741868, with internal and published modifications).